The following is an entry in ClinVar:

ClinVar aggregate classification (germline): Uncertain significance. Review status: criteria provided, multiple submitters, no conflicts (2 of 4 stars). 2 submissions from 2 submitters: Uncertain significance (2). Last evaluated 2024-07-31.

Conditions:
Inborn genetic diseases. Identifiers: MedGen C0950123, MeSH D030342.

Allele frequency attached by ClinVar (database versions not stated): gnomAD 0.00002; gnomAD exomes 0.00002; ExAC 0.00003; TOPMed 0.00011.
gnomAD v4.1: 38 of 1,595,854 alleles (0.0024%); highest among the groups gnomAD compares: Admixed American, 0.053%; no homozygotes.

Submissions (2):

Ambry Genetics
Classification: Uncertain significance for Inborn genetic diseases. Last evaluated: 2024-07-31. Review status: criteria provided, single submitter. Criteria: Ambry Variant Classification Scheme 2023. Collection method: clinical testing. Allele origin: germline.

Labcorp Genetics (formerly Invitae), Labcorp
Classification: Uncertain significance. Last evaluated: 2023-12-22. Review status: criteria provided, single submitter. Criteria: Invitae Variant Classification Sherloc (09022015). Collection method: clinical testing. Allele origin: germline.
Comment: This sequence change replaces glutamine, which is neutral and polar, with lysine, which is basic and polar, at codon 1288 of the KIF14 protein (p.Gln1288Lys). This variant is present in population databases (rs773386824, gnomAD 0.07%). This variant has not been reported in the literature in individuals affected with KIF14-related conditions. ClinVar contains an entry for this variant (Variation ID: 2400036). An algorithm developed to predict the effect of missense changes on protein structure and function (PolyPhen-2) suggests that this variant is likely to be tolerated. In summary, the available evidence is currently insufficient to determine the role of this variant in disease. Therefore, it has been classified as a Variant of Uncertain Significance.

NM_014875.3(KIF14):c.3862C>A (p.Gln1288Lys)

Gene: KIF14 (kinesin family member 14; minus strand). Cytogenetic location: 1q32.1.
Variant type: single nucleotide variant.
Coding change: c.3862C>A on transcript NM_014875.3 (MANE Select); coding-DNA position 3862, C replaced by A.
Protein change: p.Gln1288Lys; replaces glutamine 1288 with lysine.
Molecular consequence: missense variant.
Genome position (GRCh38, 1-based): chr1:200,565,469, G>T on the plus strand (C>A on the coding strand, the complement: KIF14 is on the minus strand). VCF-style: chr1-200565469-G-T. GRCh37 (hg19) VCF-style: chr1-200534597-G-T.
Other names: c.2389C>A, p.Gln797Lys (NM_001305792.1); short protein forms Q1288K, Q797K.
Identifiers: ClinVar variation 2400036 (VCV002400036.6), dbSNP rs773386824, ClinGen allele CA1317144.